The following is an entry in ClinVar:

NM_002968.3(SALL1):c.3157A>C (p.Met1053Leu)

Gene: SALL1 (spalt like transcription factor 1; minus strand). Cytogenetic location: 16q12.1.
Variant type: single nucleotide variant.
Coding change: c.3157A>C on transcript NM_002968.3 (MANE Select); coding-DNA position 3157, A replaced by C.
Protein change: p.Met1053Leu; replaces methionine 1053 with leucine.
Molecular consequence: missense variant.
Genome position (GRCh38, 1-based): chr16:51,139,065, T>G on the plus strand (A>C on the coding strand, the complement: SALL1 is on the minus strand). VCF-style: chr16-51139065-T-G. GRCh37 (hg19) VCF-style: chr16-51172976-T-G.
Other names: c.2866A>C, p.Met956Leu (NM_001127892.2); short protein forms M1053L, M956L.
Identifiers: ClinVar variation 388297 (VCV000388297.2), dbSNP rs1057523060, ClinGen allele CA16607036.

ClinVar aggregate classification (germline): Uncertain significance (1 of 4 stars; one submission).

Submission:

GeneDx
Classification: Uncertain significance. Last evaluated: 2016-08-05. Review status: criteria provided, single submitter. Criteria: GeneDx Variant Classification (06012015). Collection method: clinical testing. Allele origin: germline. Affected: yes.
Comment: The Q1052X nonsense variant in the SALL1 is predicted to cause loss of normal protein function either throughprotein truncation or nonsense-mediated mRNA decay. Additionally, it was not observed in approximately 6,400individuals of European and African American ancestry in the NHLBI Exome Sequencing Project, indicating it is nota common benign variant in these populations. Therefore, this variant is likely pathogenic; however, the possibilitythat it is benign cannot be excluded.